The following is an entry in ClinVar:

NM_017617.5(NOTCH1):c.4187C>A (p.Pro1396His)

Gene: NOTCH1 (notch receptor 1; minus strand). Cytogenetic location: 9q34.3.
Variant type: single nucleotide variant.
Coding change: c.4187C>A on transcript NM_017617.5 (MANE Select); coding-DNA position 4187, C replaced by A.
Protein change: p.Pro1396His; replaces proline 1396 with histidine.
Molecular consequence: missense variant.
Genome position (GRCh38, 1-based): chr9:136,505,709, G>T on the plus strand (C>A on the coding strand, the complement: NOTCH1 is on the minus strand). VCF-style: chr9-136505709-G-T. GRCh37 (hg19) VCF-style: chr9-139400161-G-T.
Other names: short protein forms P1396H.
Identifiers: ClinVar variation 3654349 (VCV003654349.2).

ClinVar aggregate classification (germline): Uncertain significance (1 of 4 stars; one submission).

Conditions:
Adams-Oliver syndrome 5 (AOS5). Identifiers: Orphanet 974, MedGen C4014970, MONDO:0014459, OMIM 616028.

gnomAD v4.1: 2 of 1,603,294 alleles (0.00012%); highest among the groups gnomAD compares: South Asian, 0.0011%; no homozygotes.

Submission:

Labcorp Genetics (formerly Invitae), Labcorp
Classification: Uncertain significance for Adams-Oliver syndrome 5. Last evaluated: 2024-05-23. Review status: criteria provided, single submitter. Criteria: Invitae Variant Classification Sherloc (09022015). Collection method: clinical testing. Allele origin: germline.
Comment: This sequence change replaces proline, which is neutral and non-polar, with histidine, which is basic and polar, at codon 1396 of the NOTCH1 protein (p.Pro1396His). The frequency data for this variant in the population databases is considered unreliable, as metrics indicate poor data quality at this position in the gnomAD database. This variant has not been reported in the literature in individuals affected with NOTCH1-related conditions. Advanced modeling of protein sequence and biophysical properties (such as structural, functional, and spatial information, amino acid conservation, physicochemical variation, residue mobility, and thermodynamic stability) has been performed at Invitae for this missense variant, however the output from this modeling did not meet the statistical confidence thresholds required to predict the impact of this variant on NOTCH1 protein function. In summary, the available evidence is currently insufficient to determine the role of this variant in disease. Therefore, it has been classified as a Variant of Uncertain Significance.